The following is an entry in ClinVar:

NM_000257.4(MYH7):c.2033C>A (p.Thr678Lys)

Gene: MYH7 (myosin heavy chain 7; minus strand). Cytogenetic location: 14q11.2.
Variant type: single nucleotide variant.
Coding change: c.2033C>A on transcript NM_000257.4 (MANE Select); coding-DNA position 2033, C replaced by A.
Protein change: p.Thr678Lys; replaces threonine 678 with lysine.
Molecular consequence: missense variant.
Genome position (GRCh38, 1-based): chr14:23,426,788, G>T on the plus strand (C>A on the coding strand, the complement: MYH7 is on the minus strand). VCF-style: chr14-23426788-G-T. GRCh37 (hg19) VCF-style: chr14-23895997-G-T.
Other names: c.2033C>A, p.Thr678Lys (NM_001407004.1); short protein forms T678K.
Identifiers: ClinVar variation 3908059 (VCV003908059.1).

ClinVar aggregate classification (germline): Uncertain significance (1 of 4 stars; one submission).

Submission:

GeneDx
Classification: Uncertain significance. Last evaluated: 2024-12-27. Review status: criteria provided, single submitter. Criteria: GeneDx Variant Classification Process June 2021. Collection method: clinical testing. Allele origin: germline. Affected: yes.
Comment: Has not been previously published as pathogenic or benign to our knowledge; Not observed at significant frequency in large population cohorts (gnomAD); In silico analysis indicates that this missense variant does not alter protein structure/function; This variant is associated with the following publications: (PMID: 27532257, 29300372)